The following is an entry in ClinVar:

ClinVar aggregate classification (germline): Likely benign (0 of 4 stars; one submission).

Conditions:
TRAPPC6B-related disorder. Also called: TRAPPC6B-related condition.

Allele frequency attached by ClinVar (database versions not stated): gnomAD 0.00002; gnomAD exomes 0.00003; ExAC 0.00010; 1000 Genomes Project 0.00020; 1000 Genomes Project 30x 0.00031.
gnomAD v4.1: 47 of 1,498,104 alleles (0.0031%); highest among the groups gnomAD compares: South Asian, 0.051%; no homozygotes.

Submission:

PreventionGenetics, part of Exact Sciences
Classification: Likely benign for TRAPPC6B-related condition. Last evaluated: 2019-12-30. Review status: no assertion criteria provided. Collection method: clinical testing. Allele origin: germline.
Comment: This variant is classified as likely benign based on ACMG/AMP sequence variant interpretation guidelines (Richards et al. 2015 PMID: 25741868, with internal and published modifications).

NM_001079537.2(TRAPPC6B):c.267+3A>G

Gene: TRAPPC6B (trafficking protein particle complex subunit 6B; minus strand). Cytogenetic location: 14q21.1.
Variant type: single nucleotide variant.
Coding change: c.267+3A>G on transcript NM_001079537.2 (MANE Select); 3 bases into the intron after coding-DNA position 267, A replaced by G.
Molecular consequence: intron variant.
Genome position (GRCh38, 1-based): chr14:39,158,282, T>C on the plus strand (A>G on the coding strand, the complement: TRAPPC6B is on the minus strand). VCF-style: chr14-39158282-T-C. GRCh37 (hg19) VCF-style: chr14-39627486-T-C.
Other names: c.267+3A>G (NM_177452.4).
Identifiers: ClinVar variation 3036646 (VCV003036646.2), dbSNP rs557274534, ClinGen allele CA7162812.
Genomic context (GRCh38, chr14:39,158,282, plus strand): 5'-AAAATACGATATTTATATCAAGTTAAAGGACTTTAAAATATAGGCCTTAATTAATTTAAT[T>C]ACCTGATGATTTGTCCTTAGATTGTCGATTTGTTTCTTGAATACCGTAGTCCAAAAATCT-3'